The following is an entry in ClinVar:

ClinVar aggregate classification (germline): Pathogenic. Review status: criteria provided, multiple submitters, no conflicts (2 of 4 stars). 6 submissions from 6 submitters: Pathogenic (6). Last evaluated 2026-04-15.

Conditions:
Cobalamin C disease. Also called: Methylmalonic aciduria and homocystinuria, Vitamin B12-responsive; Vitamin B12 metabolic defect with combined deficiency of methylmalonyl-CoA mutase and homocysteine:methyltetrahydrofolate methyltransferase; methylmalonic aciduria and homocystinuria type cblC; Cobalamin-C methylmalonic acidemia and homocystinuria; Methylmalonic acidemia and homocystinuria cblC type; Methylmalonic aciduria with homocystinuria cblC type. Identifiers: Orphanet 26, Orphanet 79282, MedGen C1848561, MONDO:0010184, OMIM 277400.

Allele frequency attached by ClinVar (database versions not stated): gnomAD exomes below 0.00001.

Submissions (6):

Myriad Genetics, Inc.
Classification: Pathogenic for Cobalamin C disease. Last evaluated: 2026-04-15. Review status: criteria provided, single submitter. Criteria: Myriad Autosomal Dominant, Autosomal Recessive and X-Linked Classification Criteria (2023). Collection method: clinical testing. Allele origin: unknown.
Comment: NM_015506.2(MMACHC):c.626dupT(T210Dfs*35) is a frameshift variant classified as pathogenic in the context of methylmalonic aciduria and homocystinuria, cblC type. T210Dfs*35 has been observed in cases with relevant disease (PMID: 20924684, 31279840, 35361390). Relevant functional assessments of this variant are not available in the literature. T210Dfs*35 has not been observed in referenced population frequency databases. In summary, NM_015506.2(MMACHC):c.626dupT(T210Dfs*35) is a frameshift variant in a gene where loss of function is a known mechanism of disease, is predicted to disrupt protein function, and has been observed more frequently in cases with the relevant disease than in healthy populations. Please note: this variant was assessed in the context of healthy population screening.

Natera, Inc.
Classification: Pathogenic for Methylmalonic aciduria and homocystinuria cblC type. Last evaluated: 2025-03-24. Review status: criteria provided, single submitter. Criteria: Natera Variant Classification Schema (03/2026). Collection method: clinical testing. Allele origin: germline.
Comment: The c.626dupT variant in MMACHC is a frameshift variant predicted to shift the reading frame beginning at codon 210 and leads to a stop codon 35 codons downstream. This variant is expected to result in nonsense mediated decay, truncation, or a dysfunctional protein product. This variant is rare in the general population with a frequency below the threshold expected for the associated phenotype(s). This variant has been observed in one or more individuals affected with the associated recessive disease, as either homozygous or compound heterozygous with a second variant (PMID: 20631720, 30041674, 34389282). Given the available evidence, this variant is classified as Pathogenic.

Fulgent Genetics
Classification: Pathogenic for Cobalamin C disease. Last evaluated: 2024-03-13. Review status: criteria provided, single submitter. Criteria: ACMG Guidelines, 2015. Collection method: clinical testing. Allele origin: germline.

Labcorp Genetics (formerly Invitae), Labcorp
Classification: Pathogenic for Cobalamin C disease. Last evaluated: 2023-12-19. Review status: criteria provided, single submitter. Criteria: Invitae Variant Classification Sherloc (09022015). Collection method: clinical testing. Allele origin: germline.
Comment: This sequence change creates a premature translational stop signal (p.Thr210Aspfs*35) in the MMACHC gene. While this is not anticipated to result in nonsense mediated decay, it is expected to disrupt the last 73 amino acid(s) of the MMACHC protein. This variant is not present in population databases (gnomAD no frequency). This premature translational stop signal has been observed in individual(s) with clinical features of methylmalonic aciduria and homocystinuria (PMID: 19573432, 29581464, 29731766). This variant is also known as c.625_626insT and c.625insT. ClinVar contains an entry for this variant (Variation ID: 813353). This variant disrupts a region of the MMACHC protein in which other variant(s) (p.Tyr222*) have been determined to be pathogenic (PMID: 16311595, 19767224, 30157807). This suggests that this is a clinically significant region of the protein, and that variants that disrupt it are likely to be disease-causing. For these reasons, this variant has been classified as Pathogenic.

Genome-Nilou Lab
Classification: Pathogenic for Cobalamin C disease. Last evaluated: 2023-04-11. Review status: criteria provided, single submitter. Criteria: ACMG Guidelines, 2015. Collection method: clinical testing. Allele origin: germline. Affected: no.

Juno Genomics, Hangzhou Juno Genomics, Inc
Classification: Pathogenic for Cobalamin C disease. Review status: criteria provided, single submitter. Criteria: ACMG Guidelines, 2015. Collection method: clinical testing. Allele origin: germline.
Comment: Absent from controls (or at extremely low frequency if recessive) in Genome Aggregation Database.;Null variant in a gene where loss of function (LOF) is a known mechanism of disease.;For recessive disorders, detected in trans with a pathogenic variant.;Patient's phenotype or family history is highly specific for a disease with a single genetic etiology.

Literature cited by the submitters: PubMed 20924684 (cited by Myriad Genetics, Inc.); PubMed 31279840 (cited by Myriad Genetics, Inc.); PubMed 35361390 (cited by Myriad Genetics, Inc.); PubMed 20631720 (cited by Natera, Inc.); PubMed 30041674 (cited by Natera, Inc.); PubMed 34389282 (cited by Natera, Inc.); PubMed 19573432 (cited by Labcorp Genetics (formerly Invitae), Labcorp); PubMed 29581464 (cited by Labcorp Genetics (formerly Invitae), Labcorp); PubMed 29731766 (cited by Labcorp Genetics (formerly Invitae), Labcorp); PubMed 16311595 (cited by Labcorp Genetics (formerly Invitae), Labcorp); PubMed 19767224 (cited by Labcorp Genetics (formerly Invitae), Labcorp); PubMed 30157807 (cited by Labcorp Genetics (formerly Invitae), Labcorp).

NM_015506.3(MMACHC):c.626dup (p.Thr210fs)

Genes: MMACHC (metabolism of cobalamin associated C; plus strand), LOC129930446 (ATAC-STARR-seq lymphoblastoid active region 972; plus strand). Cytogenetic location: 1p34.1.
Variant type: Duplication.
Coding change: c.626dup on transcript NM_015506.3 (MANE Select); coding-DNA position 626, one base duplicated (T; older notation c.626dupT).
Protein change: p.Thr210fs; shifts the reading frame from threonine 210.
Molecular consequence: frameshift variant.
Genome position (GRCh38, 1-based): chr1:45,508,992, T duplicated. VCF-style (leftmost placement, unchanged base first): chr1-45508991-G-GT. GRCh37 (hg19) VCF-style: chr1-45974663-G-GT.
Other names: c.455dup, p.Thr153fs (NM_001330540.2); c.626dupT (NM_015506.2); short protein forms T153fs, T210fs.
Identifiers: ClinVar variation 813353 (VCV000813353.16), dbSNP rs1570833527, ClinGen allele CA915941284.